The following is an entry in ClinVar:

NM_001035.3(RYR2):c.1650A>G (p.Gln550=)

Gene: RYR2 (ryanodine receptor 2; plus strand). Cytogenetic location: 1q43.
Variant type: single nucleotide variant.
Coding change: c.1650A>G on transcript NM_001035.3 (MANE Select); coding-DNA position 1650, A replaced by G.
Protein change: p.Gln550=; no amino-acid change (glutamine 550 retained).
Molecular consequence: synonymous variant.
Genome position (GRCh38, 1-based): chr1:237,469,129, A>G. VCF-style: chr1-237469129-A-G. GRCh37 (hg19) VCF-style: chr1-237632429-A-G.
Identifiers: ClinVar variation 927510 (VCV000927510.3), dbSNP rs1660402221, ClinGen allele CA423813344.
Genomic context (GRCh38, chr1:237,469,129, plus strand): 5'-GAAATCTATTTCTTCTTTTGCAGCGGCTCTAATTAGAGGAAATCGTAAAAACTGTGCTCA[A>G]TTTTCTGGCTCCCTCGACTGGTTGATCAGCAGATTGGAAAGACTGGAAGCTTCTTCAGGT-3'
Protein context (NP_001026.2, residues 540-560): LIRGNRKNCA[Gln550=]FSGSLDWLIS

ClinVar aggregate classification (germline): Likely benign. Review status: criteria provided, multiple submitters, no conflicts (2 of 4 stars). 2 submissions from 2 submitters: Likely benign (2). Last evaluated 2023-02-24.

Conditions:
Cardiomyopathy (CMYO). Also called: Cardiomyopathies. Identifiers: Orphanet 167848, MedGen C0878544, MONDO:0004994, HP:0001638. Inheritance: Various modes of inheritance.
Catecholaminergic polymorphic ventricular tachycardia (CVPT). Also called: Catecholamine-induced polymorphic ventricular tachycardia. Identifiers: Orphanet 3286, MedGen C5574922, MONDO:0017990.

gnomAD v4.1: 1 of 1,613,304 alleles (0.000062%); no homozygotes.

Submissions (2):

All of Us Research Program, National Institutes of Health
Classification: Likely benign for Catecholaminergic polymorphic ventricular tachycardia. Last evaluated: 2023-02-24. Review status: criteria provided, single submitter. Criteria: ACMG Guidelines, 2015. Collection method: clinical testing. Allele origin: germline. Inheritance: Autosomal dominant inheritance. Observed: 1 variant allele, 1 heterozygote.
Comment: This study involves interpretation of variants in research participants for the purpose of population health screening. Participant phenotype was not available at the time of variant classification. Additional details can be found in publication PMID: 35346344, PMCID: PMC8962531

Color Diagnostics, LLC DBA Color Health
Classification: Likely benign for Cardiomyopathy. Last evaluated: 2019-10-01. Review status: criteria provided, single submitter. Criteria: ACMG Guidelines, 2015. Collection method: clinical testing. Allele origin: germline.